The following is an entry in ClinVar:

NM_020944.3(GBA2):c.1351C>T (p.Arg451Ter)

Gene: GBA2 (glucosylceramidase beta 2; minus strand). Cytogenetic location: 9p13.3.
Variant type: single nucleotide variant.
Coding change: c.1351C>T on transcript NM_020944.3 (MANE Select); coding-DNA position 1351, C replaced by T.
Protein change: p.Arg451Ter; replaces arginine 451 with a stop codon.
Molecular consequence: nonsense.
Genome position (GRCh38, 1-based): chr9:35,740,056, G>A on the plus strand (C>T on the coding strand, the complement: GBA2 is on the minus strand). VCF-style: chr9-35740056-G-A. GRCh37 (hg19) VCF-style: chr9-35740053-G-A.
Other names: p.Arg451Ter; c.1351C>T, p.Arg451Ter (NM_001330660.2); short protein forms R451*.
Identifiers: ClinVar variation 3148838 (VCV003148838.2).
Genomic context (GRCh38, chr9:35,740,056, plus strand): 5'-ACCTGTCATCCAATACCGGGCTCTGCCAAGCTGAGATCCTCTCTTCCCACTCTGCGTATC[G>A]GCACAGTGCATAGTGGCTGAGGGCAGGTGCTGCATCTCCATCCTGGCCAAAGAACCTTGT-3'

ClinVar aggregate classification (germline): Pathogenic (1 of 4 stars; one submission).

Conditions:
Hereditary spastic paraplegia 46. Also called: Spastic paraplegia 46, autosomal recessive. Identifiers: Orphanet 320391, MedGen C2828721, MONDO:0013737, OMIM 614409.

Submission:

University of Science and Technology Houari Boumediene, Laboratory of Molecular and Cellular Biology (LBCM)
Classification: Pathogenic for Hereditary spastic paraplegia 46. Last evaluated: 2024-04-20. Review status: criteria provided, single submitter. Criteria: ACMG Guidelines, 2015. Collection method: research. Allele origin: biparental. Inheritance: Autosomal recessive inheritance. Affected: yes. Observed: 2 variant alleles, 2 homozygotes. Clinical features observed: Mental deterioration (HP:0001268), Cerebellar ataxia (HP:0001251), Thin corpus callosum (HP:0033725), Spastic paraplegia (HP:0001258), Dysarthria (HP:0001260), Strabismus (HP:0000486), Cataract (HP:0000518).
Comment: This variant is classified as pathogenic because it is a stop-gain variant identified in the homozygote state in two patients. In silico prediction tools, including CADD and MutationTaster, predict this variant to be disease-causing. Additionally, it has not been reported in publicly available databases such as 1000 Genomes and gnomAD. Complete co-segregation between the variant allele and the disease distribution was observed in this consanguineous family.